The following is an entry in ClinVar:

ClinVar aggregate classification (germline): not provided (0 of 4 stars; one submission).

Allele frequency attached by ClinVar (database versions not stated): gnomAD 0.00005 and 0.00006; ESP Exome Variant Server 0.00015; ExAC 0.00008; TOPMed 0.00003.
gnomAD v4.1: 230 of 1,614,010 alleles (0.014%); highest among the groups gnomAD compares: Non-Finnish European, 0.019%; no homozygotes.

Submission:

ITMI
No classification provided. Condition: AllHighlyPenetrant. Last evaluated: 2013-09-19. Review status: no classification provided. Collection method: reference population. Allele origin: germline.
Comment: Please see associated publication for description of ethnicities

Literature cited by the submitters: PubMed 24728327.

NM_016507.4(CDK12):c.1855A>G (p.Ile619Val)

Gene: CDK12 (cyclin dependent kinase 12; plus strand). Cytogenetic location: 17q12.
Variant type: single nucleotide variant.
Coding change: c.1855A>G on transcript NM_016507.4 (MANE Select); coding-DNA position 1855, A replaced by G.
Protein change: p.Ile619Val; replaces isoleucine 619 with valine.
Molecular consequence: missense variant.
Genome position (GRCh38, 1-based): chr17:39,471,687, A>G. VCF-style: chr17-39471687-A-G. GRCh37 (hg19) VCF-style: chr17-37627940-A-G.
Other names: c.1855A>G, p.Ile619Val (NM_015083.4); short protein forms I619V.
Identifiers: ClinVar variation 133869 (VCV000133869.1), dbSNP rs144501352, ClinGen allele CA158031.